The following is an entry in ClinVar:

ClinVar aggregate classification (germline): Uncertain significance. Review status: criteria provided, single submitter (1 of 4 stars). 2 submissions from 2 submitters: Uncertain significance (1). 1 of the submissions does not count toward it. Last evaluated 2026-01-26.

Conditions:
Familial long QT syndrome (RWS). Also called: Congenital long QT syndrome; Romano-Ward syndrome; VENTRICULAR FIBRILLATION WITH PROLONGED QT INTERVAL. Identifiers: Orphanet 768, MedGen C1141890, MONDO:0019171.
Long QT syndrome (LQTS). Identifiers: MedGen C0023976, MeSH D008133, MONDO:0002442. Disease mechanism: loss of function. Inheritance: Various modes of inheritance.

Allele frequency attached by ClinVar (database versions not stated): TOPMed 0.00001.
gnomAD v4.1: 6 of 1,371,584 alleles (0.00044%); highest among the groups gnomAD compares: Admixed American, 0.0033%; no homozygotes.

Submissions (2):

Labcorp Genetics (formerly Invitae), Labcorp
Classification: Uncertain significance for Long QT syndrome. Last evaluated: 2026-01-26. Review status: criteria provided, single submitter. Criteria: Invitae Variant Classification Sherloc (09022015). Collection method: clinical testing. Allele origin: germline.
Comment: This sequence change replaces arginine, which is basic and polar, with glycine, which is neutral and non-polar, at codon 252 of the KCNH2 protein (p.Arg252Gly). This variant is not present in population databases (gnomAD no frequency). This missense change has been observed in individual(s) with long QT syndrome (PMID: 17088455). ClinVar contains an entry for this variant (Variation ID: 67524). An algorithm developed to predict the effect of missense changes on protein structure and function (PolyPhen-2) suggests that this variant is likely to be tolerated. In summary, the available evidence is currently insufficient to determine the role of this variant in disease. Therefore, it has been classified as a Variant of Uncertain Significance.

Cardiovascular Biomedical Research Unit, Royal Brompton & Harefield NHS Foundation Trust
No classification provided. Condition: Familial long QT syndrome. Review status: no classification provided. Collection method: literature only. Allele origin: germline. Not counted in ClinVar's aggregate classification.
Comment: This variant has been reported as associated with Long QT syndrome in the following publications (PMID:19926013). This is a literature report, and does not necessarily reflect the clinical interpretation of the Imperial College / Royal Brompton Cardiovascular Genetics laboratory.

Literature cited by the submitters: PubMed 17088455 (cited by Labcorp Genetics (formerly Invitae), Labcorp); PubMed 19926013 (cited by Cardiovascular Biomedical Research Unit, Royal Brompton & Harefield NHS Foundation Trust); PubMed 22581653 (cited by Cardiovascular Biomedical Research Unit, Royal Brompton & Harefield NHS Foundation Trust).

NM_000238.4(KCNH2):c.754C>G (p.Arg252Gly)

Gene: KCNH2 (potassium voltage-gated channel subfamily H member 2; minus strand). Cytogenetic location: 7q36.1.
Variant type: single nucleotide variant.
Coding change: c.754C>G on transcript NM_000238.4 (MANE Select); coding-DNA position 754, C replaced by G.
Protein change: p.Arg252Gly; replaces arginine 252 with glycine.
Molecular consequence: missense variant.
Genome position (GRCh38, 1-based): chr7:150,958,221, G>C on the plus strand (C>G on the coding strand, the complement: KCNH2 is on the minus strand). VCF-style: chr7-150958221-G-C. GRCh37 (hg19) VCF-style: chr7-150655309-G-C.
Other names: c.754C>G (LRG_288t1); c.466C>G, p.Arg156Gly (NM_001406753.1, NM_001406756.1); c.577C>G, p.Arg193Gly (NM_001406755.1); c.454C>G, p.Arg152Gly (NM_001406757.1); c.754C>G, p.Arg252Gly (NM_172056.3); short protein forms R252G, R156G, R193G, R152G.
Identifiers: ClinVar variation 67524 (VCV000067524.6), dbSNP rs199472874, ClinGen allele CA008755.